The following is an entry in ClinVar:

ClinVar aggregate classification (germline): Uncertain significance. Review status: criteria provided, multiple submitters, no conflicts (2 of 4 stars). 3 submissions from 3 submitters: Uncertain significance (3). Last evaluated 2023-05-31.

Conditions:
Developmental and epileptic encephalopathy, 32 (DEE32). Also called: Epileptic encephalopathy, early infantile, 32. Identifiers: Orphanet 442835, MedGen C4225350, MONDO:0014607, OMIM 616366.

gnomAD v4.1: 1 of 1,614,166 alleles (0.000062%); no homozygotes.

Submissions (3):

Labcorp Genetics (formerly Invitae), Labcorp
Classification: Uncertain significance for Developmental and epileptic encephalopathy, 32. Last evaluated: 2023-05-31. Review status: criteria provided, single submitter. Criteria: Invitae Variant Classification Sherloc (09022015). Collection method: clinical testing. Allele origin: germline.
Comment: In summary, the available evidence is currently insufficient to determine the role of this variant in disease. Therefore, it has been classified as a Variant of Uncertain Significance. Advanced modeling of protein sequence and biophysical properties (such as structural, functional, and spatial information, amino acid conservation, physicochemical variation, residue mobility, and thermodynamic stability) performed at Invitae indicates that this missense variant is expected to disrupt KCNA2 protein function. ClinVar contains an entry for this variant (Variation ID: 1304041). This variant has not been reported in the literature in individuals affected with KCNA2-related conditions. This variant is not present in population databases (gnomAD no frequency). This sequence change replaces arginine, which is basic and polar, with tryptophan, which is neutral and slightly polar, at codon 43 of the KCNA2 protein (p.Arg43Trp).

Blueprint Genetics
Classification: Uncertain significance. Last evaluated: 2020-08-27. Review status: criteria provided, single submitter. Criteria: ACMG Guidelines, 2015. Collection method: clinical testing. Allele origin: germline.

GeneDx
Classification: Uncertain significance. Last evaluated: 2020-02-06. Review status: criteria provided, single submitter. Criteria: GeneDx Variant Classification Process June 2021. Collection method: clinical testing. Allele origin: germline. Affected: yes.
Comment: Not observed in large population cohorts (Lek et al., 2016); In silico analysis supports that this missense variant has a deleterious effect on protein structure/function; Has not been previously published as pathogenic or benign to our knowledge

NM_004974.4(KCNA2):c.127C>T (p.Arg43Trp)

Gene: KCNA2 (potassium voltage-gated channel subfamily A member 2; minus strand). Cytogenetic location: 1p13.3.
Variant type: single nucleotide variant.
Coding change: c.127C>T on transcript NM_004974.4 (MANE Select); coding-DNA position 127, C replaced by T.
Protein change: p.Arg43Trp; replaces arginine 43 with tryptophan.
Molecular consequence: missense variant.
Genome position (GRCh38, 1-based): chr1:110,604,656, G>A on the plus strand (C>T on the coding strand, the complement: KCNA2 is on the minus strand). VCF-style: chr1-110604656-G-A. GRCh37 (hg19) VCF-style: chr1-111147278-G-A.
Other names: c.127C>T, p.Arg43Trp (NM_001204269.2); short protein forms R43W.
Identifiers: ClinVar variation 1304041 (VCV001304041.7), dbSNP rs2101404053, ClinGen allele CA341606796.